The following is an entry in ClinVar:

ClinVar aggregate classification (germline): Uncertain significance (1 of 4 stars; one submission).

Conditions:
Charcot-Marie-Tooth disease axonal type 2Z. Also called: CHARCOT-MARIE-TOOTH DISEASE, AXONAL, AUTOSOMAL DOMINANT, TYPE 2Z; CHARCOT-MARIE-TOOTH NEUROPATHY, TYPE 2Z. Identifiers: Orphanet 466768, MedGen C5569025, MONDO:0014736, OMIM 616688.

Allele frequency attached by ClinVar (database versions not stated): gnomAD exomes 0.00002.
gnomAD v4.1: 24 of 1,614,168 alleles (0.0015%); highest among the groups gnomAD compares: Non-Finnish European, 0.0019%; no homozygotes.

Submission:

Labcorp Genetics (formerly Invitae), Labcorp
Classification: Uncertain significance for Charcot-Marie-Tooth disease axonal type 2Z. Last evaluated: 2023-04-26. Review status: criteria provided, single submitter. Criteria: Invitae Variant Classification Sherloc (09022015). Collection method: clinical testing. Allele origin: germline.
Comment: Advanced modeling of protein sequence and biophysical properties (such as structural, functional, and spatial information, amino acid conservation, physicochemical variation, residue mobility, and thermodynamic stability) performed at Invitae indicates that this missense variant is expected to disrupt MORC2 protein function. In summary, the available evidence is currently insufficient to determine the role of this variant in disease. Therefore, it has been classified as a Variant of Uncertain Significance. This variant has not been reported in the literature in individuals affected with MORC2-related conditions. This variant is not present in population databases (gnomAD no frequency). This sequence change replaces arginine, which is basic and polar, with glutamine, which is neutral and polar, at codon 90 of the MORC2 protein (p.Arg90Gln).

NM_001303256.3(MORC2):c.269G>A (p.Arg90Gln)

Gene: MORC2 (MORC family CW-type zinc finger 2; minus strand). Cytogenetic location: 22q12.2.
Variant type: single nucleotide variant.
Coding change: c.269G>A on transcript NM_001303256.3 (MANE Select); coding-DNA position 269, G replaced by A.
Protein change: p.Arg90Gln; replaces arginine 90 with glutamine.
Molecular consequence: missense variant.
Genome position (GRCh38, 1-based): chr22:30,949,800, C>T on the plus strand (G>A on the coding strand, the complement: MORC2 is on the minus strand). VCF-style: chr22-30949800-C-T. GRCh37 (hg19) VCF-style: chr22-31345786-C-T.
Other names: c.269G>A, p.Arg90Gln (NM_001303257.2); c.83G>A, p.Arg28Gln (NM_014941.3); short protein forms R28Q, R90Q.
Identifiers: ClinVar variation 2899276 (VCV002899276.3), dbSNP rs2517621796, ClinGen allele CA411245151.